The following is an entry in ClinVar:

ClinVar aggregate classification (germline): Uncertain significance (1 of 4 stars; one submission).

Allele frequency attached by ClinVar (database versions not stated): gnomAD exomes below 0.00001; gnomAD 0.00001; TOPMed 0.00002.
gnomAD v4.1: 2 of 1,613,816 alleles (0.00012%); highest among the groups gnomAD compares: African/African-American, 0.0027%; no homozygotes.

Submission:

Labcorp Genetics (formerly Invitae), Labcorp
Classification: Uncertain significance. Last evaluated: 2022-02-09. Review status: criteria provided, single submitter. Criteria: Invitae Variant Classification Sherloc (09022015). Collection method: clinical testing. Allele origin: germline.
Comment: In summary, the available evidence is currently insufficient to determine the role of this variant in disease. Therefore, it has been classified as a Variant of Uncertain Significance. Algorithms developed to predict the effect of missense changes on protein structure and function are either unavailable or do not agree on the potential impact of this missense change (SIFT: "Not Available"; PolyPhen-2: "Benign"; Align-GVGD: "Not Available"). This variant has not been reported in the literature in individuals affected with ADD3-related conditions. This variant is present in population databases (no rsID available, gnomAD 0.008%). This sequence change replaces glutamic acid with aspartic acid at codon 670 of the ADD3 protein (p.Glu670Asp). The glutamic acid residue is moderately conserved and there is a small physicochemical difference between glutamic acid and aspartic acid.

NM_016824.5(ADD3):c.2010A>C (p.Glu670Asp)

Gene: ADD3 (adducin 3; plus strand). Cytogenetic location: 10q25.2.
Variant type: single nucleotide variant.
Coding change: c.2010A>C on transcript NM_016824.5 (MANE Select); coding-DNA position 2010, A replaced by C.
Protein change: p.Glu670Asp; replaces glutamic acid 670 with aspartic acid.
Molecular consequence: missense variant.
Genome position (GRCh38, 1-based): chr10:110,133,507, A>C. VCF-style: chr10-110133507-A-C. GRCh37 (hg19) VCF-style: chr10-111893265-A-C.
Other names: c.1914A>C, p.Glu638Asp (NM_001121.4, NM_019903.5); c.2010A>C, p.Glu670Asp (NM_001320591.2, NM_001320592.2, NM_001320593.2); c.1776A>C, p.Glu592Asp (NM_001320594.2); short protein forms E638D, E670D, E592D.
Identifiers: ClinVar variation 1361537 (VCV001361537.8), dbSNP rs1410245111, ClinGen allele CA378383021.
Genomic context (GRCh38, chr10:110,133,507, plus strand): 5'-CACAAGTACAACCATAGAAAACATCGAGATTACTATTAAGTCTCCAGAGAAAATCGAAGA[A>C]GTCCTGTCACCTGAAGGCTCCCCTTCAAAATCGCCATCCAAGAAAAAGAAGAAATTCCGC-3'
Protein context (NP_058432.1, residues 660-680): ITIKSPEKIE[Glu670Asp]VLSPEGSPSK